The following is an entry in ClinVar:

ClinVar aggregate classification (germline): Pathogenic (1 of 4 stars; one submission).

Conditions:
Autosomal recessive polycystic kidney disease (ARPKD). Also called: AR polycystic kidney disease. Identifiers: Orphanet 731, Orphanet 8378, MedGen C0085548, MeSH D017044, MONDO:0009889.

Submission:

Labcorp Genetics (formerly Invitae), Labcorp
Classification: Pathogenic for Autosomal recessive polycystic kidney disease. Last evaluated: 2023-11-27. Review status: criteria provided, single submitter. Criteria: Invitae Variant Classification Sherloc (09022015). Collection method: clinical testing. Allele origin: germline.
Comment: This sequence change creates a premature translational stop signal (p.Ile3319Lysfs*3) in the PKHD1 gene. It is expected to result in an absent or disrupted protein product. Loss-of-function variants in PKHD1 are known to be pathogenic (PMID: 19940839). This variant is not present in population databases (gnomAD no frequency). This variant has not been reported in the literature in individuals affected with PKHD1-related conditions. For these reasons, this variant has been classified as Pathogenic.

Literature cited by the submitters: PubMed 19940839.

NM_138694.4(PKHD1):c.9956_9957del (p.Ile3319fs)

Gene: PKHD1 (PKHD1 ciliary IPT domain containing fibrocystin/polyductin; minus strand). Cytogenetic location: 6p12.3.
Variant type: Deletion.
Coding change: c.9956_9957del on transcript NM_138694.4 (MANE Select); coding-DNA positions 9956 to 9957, 2 bases deleted (TA; older notation c.9956_9957delTA).
Protein change: p.Ile3319fs; shifts the reading frame from isoleucine 3319.
Molecular consequence: frameshift variant.
Genome position (GRCh38, 1-based): chr6:51,746,762-51,746,763, TA deleted on the plus strand (TA on the coding strand, the reverse complement: PKHD1 is on the minus strand); deleting any 2 consecutive bases within chr6:51,746,762-51,746,764 gives the same sequence; the c. name uses the placement nearest the transcript's 3' end. VCF-style (leftmost placement, unchanged base first): chr6-51746761-TTA-T. GRCh37 (hg19) VCF-style: chr6-51611559-TTA-T.
Other names: c.9956_9957del, p.Ile3319fs (NM_170724.3); short protein forms I3319fs.
Identifiers: ClinVar variation 2808290 (VCV002808290.3), dbSNP rs2533776300, ClinGen allele CA2739273070.